The following is an entry in ClinVar:

NM_018263.6(ASXL2):c.1753C>T (p.Pro585Ser)

Gene: ASXL2 (ASXL transcriptional regulator 2; minus strand). Cytogenetic location: 2p23.3.
Variant type: single nucleotide variant.
Coding change: c.1753C>T on transcript NM_018263.6 (MANE Select); coding-DNA position 1753, C replaced by T.
Protein change: p.Pro585Ser; replaces proline 585 with serine.
Molecular consequence: missense variant.
Genome position (GRCh38, 1-based): chr2:25,749,803, G>A on the plus strand (C>T on the coding strand, the complement: ASXL2 is on the minus strand). VCF-style: chr2-25749803-G-A. GRCh37 (hg19) VCF-style: chr2-25972672-G-A.
Other names: c.1579C>T, p.Pro527Ser (NM_001369346.1); c.973C>T, p.Pro325Ser (NM_001369347.1); short protein forms P325S, P527S, P585S.
Identifiers: ClinVar variation 1309802 (VCV001309802.2), dbSNP rs2149140576, ClinGen allele CA346074347.

ClinVar aggregate classification (germline): Uncertain significance (1 of 4 stars; one submission).

Submission:

GeneDx
Classification: Uncertain significance. Last evaluated: 2019-11-13. Review status: criteria provided, single submitter. Criteria: GeneDx Variant Classification Process June 2021. Collection method: clinical testing. Allele origin: germline. Affected: yes.
Comment: Not observed in large population cohorts (Lek et al., 2016); In silico analysis, which includes protein predictors and evolutionary conservation, supports a deleterious effect; Has not been previously published as pathogenic or benign to our knowledge